The following is an entry in ClinVar:

NM_001365951.3(KIF1B):c.727A>G (p.Lys243Glu)

Gene: KIF1B (kinesin family member 1B; plus strand). Cytogenetic location: 1p36.22.
Variant type: single nucleotide variant.
Coding change: c.727A>G on transcript NM_001365951.3 (MANE Select); coding-DNA position 727, A replaced by G.
Protein change: p.Lys243Glu; replaces lysine 243 with glutamic acid.
Molecular consequence: missense variant.
Genome position (GRCh38, 1-based): chr1:10,271,508, A>G. VCF-style: chr1-10271508-A-G. GRCh37 (hg19) VCF-style: chr1-10331566-A-G.
Other names: c.727A>G, p.Lys243Glu (NM_001365952.1, NM_001365953.1, NM_015074.3 and 1 more transcripts); short protein forms K243E.
Identifiers: ClinVar variation 3288424 (VCV003288424.1).
Genomic context (GRCh38, chr1:10,271,508, plus strand): 5'-CTGCTTCTATCTTGCTTATTTTTGAATTGCCCCCATGTTATTGTTCTTTATCAGGTCAGT[A>G]AAATCAGCTTGGTGGATCTAGCAGGAAGTGAACGAGCTGATTCAACTGGTGCCAAAGGGA-3'
Protein context (NP_001352880.1, residues 233-253): ETNLSTEKVS[Lys243Glu]ISLVDLAGSE

ClinVar aggregate classification (germline): Uncertain significance (1 of 4 stars; one submission).

Submission:

Ambry Genetics
Classification: Uncertain significance. Last evaluated: 2024-04-17. Review status: criteria provided, single submitter. Criteria: Ambry Variant Classification Scheme 2023. Collection method: clinical testing. Allele origin: germline.
Comment: The p.K243E variant (also known as c.727A>G), located in coding exon 7 of the KIF1B gene, results from an A to G substitution at nucleotide position 727. The lysine at codon 243 is replaced by glutamic acid, an amino acid with similar properties. This amino acid position is conserved. In addition, this alteration is predicted to be deleterious by in silico analysis. Based on the available evidence, the clinical significance of this variant remains unclear.